The following is an entry in ClinVar:

ClinVar aggregate classification (germline): Uncertain significance. Review status: criteria provided, multiple submitters, no conflicts (2 of 4 stars). 2 submissions from 2 submitters: Uncertain significance (2). Last evaluated 2025-08-04.

Conditions:
Epilepsy, familial focal, with variable foci 3 (FFEVF3). Identifiers: MedGen C4310708, MONDO:0014925, OMIM 617118.
Inborn genetic diseases. Identifiers: MedGen C0950123, MeSH D030342.

Allele frequency attached by ClinVar (database versions not stated): gnomAD 0.00001 and 0.00002; TOPMed 0.00004.
gnomAD v4.1: 20 of 1,601,306 alleles (0.0012%); highest among the groups gnomAD compares: East Asian, 0.0023%; no homozygotes.

Submissions (2):

Labcorp Genetics (formerly Invitae), Labcorp
Classification: Uncertain significance for Epilepsy, familial focal, with variable foci 3. Last evaluated: 2025-08-04. Review status: criteria provided, single submitter. Criteria: Invitae Variant Classification Sherloc (09022015). Collection method: clinical testing. Allele origin: germline.
Comment: This sequence change replaces valine, which is neutral and non-polar, with isoleucine, which is neutral and non-polar, at codon 428 of the NPRL3 protein (p.Val428Ile). The frequency data for this variant in the population databases is considered unreliable, as metrics indicate poor data quality at this position in the gnomAD database. This variant has not been reported in the literature in individuals affected with NPRL3-related conditions. ClinVar contains an entry for this variant (Variation ID: 943494). Invitae Evidence Modeling of protein sequence and biophysical properties (such as structural, functional, and spatial information, amino acid conservation, physicochemical variation, residue mobility, and thermodynamic stability) indicates that this missense variant is not expected to disrupt NPRL3 protein function with a negative predictive value of 80%. In summary, the available evidence is currently insufficient to determine the role of this variant in disease. Therefore, it has been classified as a Variant of Uncertain Significance.

Ambry Genetics
Classification: Uncertain significance for Inborn genetic diseases. Last evaluated: 2024-09-27. Review status: criteria provided, single submitter. Criteria: Ambry Variant Classification Scheme 2023. Collection method: clinical testing. Allele origin: germline.

NM_001077350.3(NPRL3):c.1282G>A (p.Val428Ile)

Genes: HBA-LCR (alpha-globin locus control region; plus strand), NPRL3 (NPR3 like, GATOR1 complex subunit; minus strand). Cytogenetic location: 16p13.3.
Variant type: single nucleotide variant.
Coding change: c.1282G>A on transcript NM_001077350.3 (MANE Select); coding-DNA position 1282, G replaced by A.
Protein change: p.Val428Ile; replaces valine 428 with isoleucine.
Molecular consequence: missense variant.
Genome position (GRCh38, 1-based): chr16:89,782, C>T on the plus strand (G>A on the coding strand, the complement: NPRL3 is on the minus strand). VCF-style: chr16-89782-C-T. GRCh37 (hg19) VCF-style: chr16-139780-C-T.
Other names: c.745G>A, p.Val249Ile (NM_001039476.3); c.1048G>A, p.Val350Ile (NM_001243247.2); c.1207G>A, p.Val403Ile (NM_001243248.2, NM_001243249.2); short protein forms V350I, V249I, V428I, V403I.
Identifiers: ClinVar variation 943494 (VCV000943494.8), dbSNP rs771113936, ClinGen allele CA394051121.
Genomic context (GRCh38, chr16:89,782, plus strand): 5'-CAAAGCTGAGGGCGTTGGGCGTGCTGAGGCTGCGACCGCCGACCCGGGCAGTGAAGGGGA[C>T]GTCGTCCTCTCGCGGACGGGGCTCCTCCTCGCTGGGTGAGGCCATCAGGCAGACATAGGT-3'
Protein context (NP_001070818.1, residues 418-438): EEEPRPREDD[Val428Ile]PFTARVGGRS